The following is an entry in ClinVar:

ClinVar aggregate classification (germline): Uncertain significance (1 of 4 stars; one submission).

Conditions:
Malignant hyperthermia, susceptibility to, 1 (MHS1). Also called: RYR1-Related Malignant Hyperthermia Susceptibility; Anesthesia related hyperthermia; Malignant hyperpyrexia; Fulminating hyperpyrexia; Pharmacogenic myopathy; Malignant hyperthermia suceptibility 1. Identifiers: Orphanet 423, MedGen C2930980, MONDO:0007783, OMIM 145600.

Submission:

All of Us Research Program, National Institutes of Health
Classification: Uncertain significance for Malignant hyperthermia, susceptibility to, 1. Last evaluated: 2023-02-24. Review status: criteria provided, single submitter. Criteria: ACMG Guidelines, 2015. Collection method: clinical testing. Allele origin: germline. Inheritance: Autosomal dominant inheritance. Observed: 1 variant allele, 1 heterozygote.
Comment: This missense variant replaces methionine with leucine at codon 1598 of the RYR1 protein. Computational prediction is inconclusive regarding the impact of this variant on protein structure and function (internally defined REVEL score threshold 0.5 < inconclusive < 0.7, PMID: 27666373). To our knowledge, functional studies have not been reported for this variant. This variant has not been reported in individuals affected with RYR1-related disorders in the literature. This variant has not been identified in the general population by the Genome Aggregation Database (gnomAD). The available evidence is insufficient to determine the role of this variant in disease conclusively. Therefore, this variant is classified as a Variant of Uncertain Significance.

This study involves interpretation of variants in research participants for the purpose of population health screening. Participant phenotype was not available at the time of variant classification. Additional details can be found in publication PMID: 35346344, PMCID: PMC8962531

NM_000540.3(RYR1):c.4792A>T (p.Met1598Leu)

Gene: RYR1 (ryanodine receptor 1; plus strand). Cytogenetic location: 19q13.2.
Variant type: single nucleotide variant.
Coding change: c.4792A>T on transcript NM_000540.3 (MANE Select); coding-DNA position 4792, A replaced by T.
Protein change: p.Met1598Leu; replaces methionine 1598 with leucine.
Molecular consequence: missense variant.
Genome position (GRCh38, 1-based): chr19:38,483,374, A>T. VCF-style: chr19-38483374-A-T. GRCh37 (hg19) VCF-style: chr19-38974014-A-T.
Other names: c.4792A>T, p.Met1598Leu (NM_001042723.2); short protein forms M1598L.
Identifiers: ClinVar variation 3069540 (VCV003069540.1), dbSNP rs2145529267, ClinGen allele CA405650469.
Genomic context (GRCh38, chr19:38,483,374, plus strand): 5'-ATGTTCCAAAGCGAGCGCAAGAACCCGGCCCCGCAGTGCCCACCGCGGCTGGAGATGCAG[A>T]TGCTGATGCCAGTGTCCTGGAGCCGCATGCCCAACCACTTCCTGCAGGTGGAGACGAGGC-3'
Protein context (NP_000531.2, residues 1588-1608): PQCPPRLEMQ[Met1598Leu]LMPVSWSRMP